The following is an entry in ClinVar:

NM_001039876.3(SYNE4):c.742del (p.Glu248fs)

Gene: SYNE4 (spectrin repeat containing nuclear envelope family member 4; minus strand). Cytogenetic location: 19q13.12.
Variant type: Deletion.
Coding change: c.742del on transcript NM_001039876.3 (MANE Select); coding-DNA position 742, one base deleted (G; older notation c.742delG).
Protein change: p.Glu248fs; shifts the reading frame from glutamic acid 248.
Molecular consequence: frameshift variant.
Genome position (GRCh38, 1-based): chr19:36,006,548, C deleted on the plus strand (G on the coding strand, the reverse complement: SYNE4 is on the minus strand); the first of 2 consecutive C bases (chr19:36,006,548-36,006,549); deleting either gives the same sequence. VCF-style (leftmost placement, unchanged base first): chr19-36006547-TC-T. GRCh37 (hg19) VCF-style: chr19-36497449-TC-T.
Other names: c.403del, p.Glu135fs (NM_001297735.3); c.742delG (NM_001039876.3); short protein forms E135fs, E248fs.
Identifiers: ClinVar variation 4536658 (VCV004536658.1).

ClinVar aggregate classification (germline): Pathogenic (1 of 4 stars; one submission).

Conditions:
Nonsyndromic genetic hearing loss. Also called: Nonsyndromic genetic deafness; Non-syndromic genetic deafness; Nonsyndromic hearing loss and deafness. Identifiers: Orphanet 87884, MedGen C5680182, MONDO:0019497.

Submission:

Women's Health and Genetics/Laboratory Corporation of America, LabCorp
Classification: Pathogenic for Nonsyndromic genetic hearing loss. Last evaluated: 2025-11-17. Review status: criteria provided, single submitter. Criteria: LabCorp Variant Classification Summary - May 2015. Collection method: clinical testing. Allele origin: germline.
Comment: Variant summary: SYNE4 c.742delG (p.Glu248SerfsX22) results in a premature termination codon, predicted to cause a truncation of the encoded protein or absence of the protein due to nonsense mediated decay, which are commonly known mechanisms for disease. The variant was absent in 231466 control chromosomes. To our knowledge, no occurrence of c.742delG in individuals affected with SYNE4-related conditions and no experimental evidence demonstrating its impact on protein function have been reported. No submitters have cited clinical-significance assessments for this variant to ClinVar. Based on the evidence outlined above, the variant was classified as pathogenic.